The following is an entry in ClinVar:

ClinVar aggregate classification (germline): Uncertain significance (1 of 4 stars; one submission).

Conditions:
Familial adenomatous polyposis 1 (FAP1). Also called: FAMILIAL ADENOMATOUS POLYPOSIS 1, ATTENUATED; POLYPOSIS, ADENOMATOUS INTESTINAL. Identifiers: MedGen C2713442, MONDO:0021056, OMIM 175100. Disease mechanism: loss of function.

gnomAD v4.1: 2 of 1,614,006 alleles (0.00012%); highest among the groups gnomAD compares: East Asian, 0.0022%; no homozygotes.

Submission:

Labcorp Genetics (formerly Invitae), Labcorp
Classification: Uncertain significance for Familial adenomatous polyposis 1. Last evaluated: 2024-03-01. Review status: criteria provided, single submitter. Criteria: Invitae Variant Classification Sherloc (09022015). Collection method: clinical testing. Allele origin: germline.
Comment: This sequence change replaces arginine, which is basic and polar, with proline, which is neutral and non-polar, at codon 2714 of the APC protein (p.Arg2714Pro). This variant is not present in population databases (gnomAD no frequency). This variant has not been reported in the literature in individuals affected with APC-related conditions. Advanced modeling of protein sequence and biophysical properties (such as structural, functional, and spatial information, amino acid conservation, physicochemical variation, residue mobility, and thermodynamic stability) performed at Invitae indicates that this missense variant is not expected to disrupt APC protein function with a negative predictive value of 95%. In summary, the available evidence is currently insufficient to determine the role of this variant in disease. Therefore, it has been classified as a Variant of Uncertain Significance.

NM_000038.6(APC):c.8141G>C (p.Arg2714Pro)

Gene: APC (APC regulator of Wnt signaling pathway; plus strand). Cytogenetic location: 5q22.2.
Variant type: single nucleotide variant.
Coding change: c.8141G>C on transcript NM_000038.6 (MANE Select); coding-DNA position 8141, G replaced by C.
Protein change: p.Arg2714Pro; replaces arginine 2714 with proline.
Molecular consequence: missense variant. On other transcripts: non-coding transcript variant (2).
Genome position (GRCh38, 1-based): chr5:112,843,735, G>C. VCF-style: chr5-112843735-G-C. GRCh37 (hg19) VCF-style: chr5-112179432-G-C.
Other names: c.8141G>C, p.Arg2714Pro (NM_001127510.3, NM_001354895.2, NM_001407450.1); c.8087G>C, p.Arg2696Pro (NM_001127511.3); c.8171G>C, p.Arg2724Pro (NM_001354897.2); c.8195G>C, p.Arg2732Pro (NM_001354896.2, NM_001407447.1, NM_001407448.1 and 1 more transcripts); c.8066G>C, p.Arg2689Pro (NM_001354898.2); c.8057G>C, p.Arg2686Pro (NM_001354899.2); c.8018G>C, p.Arg2673Pro (NM_001354900.2); c.7964G>C, p.Arg2655Pro (NM_001354901.2, NM_001407453.1); and 11 more; short protein forms R2330P, R2431P, R2613P, R2631P, R2686P, R2696P, R2742P, R2585P.
Identifiers: ClinVar variation 3635524 (VCV003635524.2).
Genomic context (GRCh38, chr5:112,843,735, plus strand): 5'-TTAAAGATTCAAAAGATAATCAGGCAAAACAAAATGTGGGTAATGGCAGTGTTCCCATGC[G>C]TACCGTGGGTTTGGAAAATCGCCTGAACTCCTTTATTCAGGTGGATGCCCCTGACCAAAA-3'
Protein context (NP_000029.2, residues 2704-2724): QNVGNGSVPM[Arg2714Pro]TVGLENRLNS